The following is an entry in ClinVar:

NM_016122.3(CEP83):c.578A>G (p.Glu193Gly)

Gene: CEP83 (centrosomal protein 83; minus strand). Cytogenetic location: 12q22.
Variant type: single nucleotide variant.
Coding change: c.578A>G on transcript NM_016122.3 (MANE Select); coding-DNA position 578, A replaced by G.
Protein change: p.Glu193Gly; replaces glutamic acid 193 with glycine.
Molecular consequence: missense variant. On other transcripts: non-coding transcript variant (3).
Genome position (GRCh38, 1-based): chr12:94,379,014, T>C on the plus strand (A>G on the coding strand, the complement: CEP83 is on the minus strand). VCF-style: chr12-94379014-T-C. GRCh37 (hg19) VCF-style: chr12-94772790-T-C.
Other names: c.578A>G, p.Glu193Gly (NM_001042399.2, NM_001346457.2, NM_001346460.2 and 3 more transcripts); c.266A>G, p.Glu89Gly (NM_001346458.2, NM_001346459.2, NM_001346462.2 and 2 more transcripts); c.353A>G, p.Glu118Gly (NM_001368041.1); c.41A>G, p.Glu14Gly (NM_001368042.1); short protein forms E193G, E118G, E14G, E89G.
Identifiers: ClinVar variation 1955686 (VCV001955686.5), dbSNP rs2541845161, ClinGen allele CA386147066.

ClinVar aggregate classification (germline): Uncertain significance (1 of 4 stars; one submission).

Conditions:
Nephronophthisis 18 (NPHP18). Identifiers: Orphanet 655, MedGen C3890591, MONDO:0014374, OMIM 615862.

gnomAD v4.1: 2 of 1,610,184 alleles (0.00012%); highest among the groups gnomAD compares: Non-Finnish European, 0.00017%; no homozygotes.

Submission:

Labcorp Genetics (formerly Invitae), Labcorp
Classification: Uncertain significance for Nephronophthisis 18. Last evaluated: 2022-02-17. Review status: criteria provided, single submitter. Criteria: Invitae Variant Classification Sherloc (09022015). Collection method: clinical testing. Allele origin: germline.
Comment: In summary, the available evidence is currently insufficient to determine the role of this variant in disease. Therefore, it has been classified as a Variant of Uncertain Significance. Algorithms developed to predict the effect of missense changes on protein structure and function are either unavailable or do not agree on the potential impact of this missense change (SIFT: "Not Available"; PolyPhen-2: "Possibly Damaging"; Align-GVGD: "Not Available"). This variant has not been reported in the literature in individuals affected with CEP83-related conditions. This variant is not present in population databases (gnomAD no frequency). This sequence change replaces glutamic acid, which is acidic and polar, with glycine, which is neutral and non-polar, at codon 193 of the CEP83 protein (p.Glu193Gly).